The following is an entry in ClinVar:

ClinVar aggregate classification (germline): Uncertain significance (1 of 4 stars; one submission).

Conditions:
Familial focal epilepsy with variable foci (FPEVF). Identifiers: Orphanet 98820, MedGen C1858477, MONDO:0020310.

Allele frequency attached by ClinVar (database versions not stated): gnomAD 0.00001; gnomAD exomes 0.00004.
gnomAD v4.1: 85 of 1,613,894 alleles (0.0053%); highest among the groups gnomAD compares: Non-Finnish European, 0.0069%; no homozygotes.

Submission:

Labcorp Genetics (formerly Invitae), Labcorp
Classification: Uncertain significance for Familial focal epilepsy with variable foci. Last evaluated: 2023-06-04. Review status: criteria provided, single submitter. Criteria: Invitae Variant Classification Sherloc (09022015). Collection method: clinical testing. Allele origin: germline.
Comment: This sequence change replaces valine, which is neutral and non-polar, with methionine, which is neutral and non-polar, at codon 1304 of the DEPDC5 protein (p.Val1304Met). In summary, the available evidence is currently insufficient to determine the role of this variant in disease. Therefore, it has been classified as a Variant of Uncertain Significance. Experimental studies and prediction algorithms are not available or were not evaluated, and the functional significance of this variant is currently unknown. ClinVar contains an entry for this variant (Variation ID: 1487382). This variant has not been reported in the literature in individuals affected with DEPDC5-related conditions. This variant is present in population databases (rs750936617, gnomAD 0.01%).

NM_001242896.3(DEPDC5):c.3910G>A (p.Val1304Met)

Gene: DEPDC5 (DEP domain containing 5, GATOR1 subcomplex subunit; plus strand). Cytogenetic location: 22q12.3.
Variant type: single nucleotide variant.
Coding change: c.3910G>A on transcript NM_001242896.3 (MANE Select); coding-DNA position 3910, G replaced by A.
Protein change: p.Val1304Met; replaces valine 1304 with methionine.
Molecular consequence: missense variant. On other transcripts: non-coding transcript variant (5).
Genome position (GRCh38, 1-based): chr22:31,879,629, G>A. VCF-style: chr22-31879629-G-A. GRCh37 (hg19) VCF-style: chr22-32275615-G-A.
Other names: c.3610G>A, p.Val1204Met (NM_001242897.2); c.3844G>A, p.Val1282Met (NM_001363852.2, NM_001364320.2); c.3676G>A, p.Val1226Met (NM_001363854.2, NM_001364319.2); c.3910G>A, p.Val1304Met (NM_001364318.2); c.3826G>A, p.Val1276Met (NM_001369901.1, NM_001369902.1); c.3817G>A, p.Val1273Met (NM_001369903.1, NM_014662.6); c.3883G>A, p.Val1295Met (NM_001136029.4); short protein forms V1276M, V1295M, V1204M, V1304M, V1282M, V1226M, V1273M.
Identifiers: ClinVar variation 1487382 (VCV001487382.4), dbSNP rs750936617, ClinGen allele CA10197142.